The following is an entry in ClinVar:

NM_001244008.2(KIF1A):c.699G>C (p.Glu233Asp)

Gene: KIF1A (kinesin family member 1A; minus strand). Cytogenetic location: 2q37.3.
Variant type: single nucleotide variant.
Coding change: c.699G>C on transcript NM_001244008.2 (MANE Select); coding-DNA position 699, G replaced by C.
Protein change: p.Glu233Asp; replaces glutamic acid 233 with aspartic acid.
Molecular consequence: missense variant.
Genome position (GRCh38, 1-based): chr2:240,785,010, C>G on the plus strand (G>C on the coding strand, the complement: KIF1A is on the minus strand). VCF-style: chr2-240785010-C-G. GRCh37 (hg19) VCF-style: chr2-241724427-C-G.
Other names: c.699G>C, p.Glu233Asp (NM_001320705.2, NM_001330289.2, NM_001330290.2 and 20 more transcripts); short protein forms E233D.
Identifiers: ClinVar variation 573354 (VCV000573354.13), dbSNP rs373882732, ClinGen allele CA2208702.

ClinVar aggregate classification (germline): Conflicting classifications of pathogenicity. Review status: criteria provided, conflicting classifications (1 of 4 stars). 4 submissions from 4 submitters: Uncertain significance (3); Likely benign (1). Last evaluated 2025-12-13.

Conditions:
Hereditary spastic paraplegia 30. Identifiers: Orphanet 101010, MedGen C5235139, MONDO:0012476.
Neuropathy, hereditary sensory, type 2C. Also called: KIF1A-Related HSAN2 (HSAN2C); Hereditary sensory and autonomic neuropathy type IIC. Identifiers: Orphanet 970, MedGen C3280168, MONDO:0013634, OMIM 614213.
Intellectual disability, autosomal dominant 9 (NESCAVS). Also called: NESCAV SYNDROME; KIF1A-Related Neurodevelopmental Disorder. Identifiers: Orphanet 662367, MedGen C5393830, MONDO:0013656, OMIM 614255.
Inborn genetic diseases. Identifiers: MedGen C0950123, MeSH D030342.

Allele frequency attached by ClinVar (database versions not stated): ExAC 0.00002; gnomAD exomes 0.00002 and 0.00006; gnomAD 0.00003; TOPMed 0.00003; ESP Exome Variant Server 0.00008.
gnomAD v4.1: 82 of 1,613,602 alleles (0.0051%); highest among the groups gnomAD compares: Non-Finnish European, 0.0067%; no homozygotes.

Submissions (4):

Labcorp Genetics (formerly Invitae), Labcorp
Classification: Likely benign for Hereditary spastic paraplegia 30; Neuropathy, hereditary sensory, type 2C; Intellectual disability, autosomal dominant 9. Last evaluated: 2025-12-13. Review status: criteria provided, single submitter. Criteria: Invitae Variant Classification Sherloc (09022015). Collection method: clinical testing. Allele origin: germline.

GeneDx
Classification: Uncertain significance. Last evaluated: 2024-01-19. Review status: criteria provided, single submitter. Criteria: GeneDx Variant Classification Process June 2021. Collection method: clinical testing. Allele origin: germline. Affected: yes.
Comment: In silico analysis supports that this missense variant does not alter protein structure/function; Has not been previously published as pathogenic or benign to our knowledge; This variant is associated with the following publications: (PMID: 26125038, 36628482, 21820098, 21376300)

Ambry Genetics
Classification: Uncertain significance for Inborn genetic diseases. Last evaluated: 2023-06-21. Review status: criteria provided, single submitter. Criteria: Ambry Variant Classification Scheme 2023. Collection method: clinical testing. Allele origin: germline.

Blueprint Genetics
Classification: Uncertain significance. Last evaluated: 2022-11-14. Review status: criteria provided, single submitter. Criteria: ACMG Guidelines, 2015. Collection method: clinical testing. Allele origin: germline.

Literature cited by the submitters: PubMed 26125038 (cited by Ambry Genetics).